The following is an entry in ClinVar:

NM_033026.6(PCLO):c.2940del (p.Lys981fs)

Gene: PCLO (piccolo presynaptic cytomatrix protein; minus strand). Cytogenetic location: 7q21.11.
Variant type: Deletion.
Coding change: c.2940del on transcript NM_033026.6 (MANE Select); coding-DNA position 2940, one base deleted (C; older notation c.2940delC).
Protein change: p.Lys981fs; shifts the reading frame from lysine 981.
Molecular consequence: frameshift variant.
Genome position (GRCh38, 1-based): chr7:83,134,610, G deleted on the plus strand (C on the coding strand, the reverse complement: PCLO is on the minus strand); the first of 3 consecutive G bases (chr7:83,134,610-83,134,612); deleting any one gives the same sequence. VCF-style (leftmost placement, unchanged base first): chr7-83134609-TG-T. GRCh37 (hg19) VCF-style: chr7-82763925-TG-T.
Other names: c.2940del, p.Lys981fs (NM_014510.3); short protein forms K981fs.
Identifiers: ClinVar variation 4071825 (VCV004071825.1).

ClinVar aggregate classification (germline): Uncertain significance (1 of 4 stars; one submission).

Submission:

GeneDx
Classification: Uncertain significance. Last evaluated: 2025-01-22. Review status: criteria provided, single submitter. Criteria: GeneDx Variant Classification Process June 2021. Collection method: clinical testing. Allele origin: germline. Affected: yes.
Comment: Not observed at significant frequency in large population cohorts (gnomAD); Frameshift variant predicted to result in protein truncation or nonsense mediated decay in a gene or region of a gene for which loss of function is not a well-established mechanism of disease; Has not been previously published as pathogenic or benign to our knowledge; Variants in candidate genes are classified as variants of uncertain significance in accordance with ACMG guidelines (PMID: 25741868)